The following is an entry in ClinVar:

ClinVar aggregate classification (germline): Uncertain significance (0 of 4 stars; one submission).

Conditions:
Keratosis follicularis (DAR). Also called: Darier disease; Darier's disease. Identifiers: Orphanet 218, MedGen C0022595, MONDO:0007417, OMIM 124200.

Submission:

Medical Genetics Unit, Mauro Baschirotto Institute for Rare Disease
Classification: Uncertain significance for Keratosis follicularis. Last evaluated: 2024-06-07. Review status: no assertion criteria provided. Collection method: provider interpretation. Allele origin: germline. Affected: yes. Observed: 1 variant allele.
Comment: The c.1287+4del variant has not been published as a pathogenic variant, nor has it been reported as a benign variant to our knowledge. This variant occurs in intron 10. To our knowledge, this variant has not been reported in the literature or in a large population database, indicating this variant is rare (PM2 moderate). Franklin by genoox computational prediction tools unanimously support a deleterious effect of this splicing variant on the gene (PP3 supporting). Therefore, this variant is classified variant of uncertain significance. Although this variant has not been previously reported to our knowledge, the possibility that it is benign or pathogenic cannot be excluded.

NM_170665.4(ATP2A2):c.1287+4del

Gene: ATP2A2 (ATPase sarcoplasmic/endoplasmic reticulum Ca2+ transporting 2; plus strand). Cytogenetic location: 12q24.11.
Variant type: Deletion.
Coding change: c.1287+4del on transcript NM_170665.4 (MANE Select); 4 bases into the intron after coding-DNA position 1287, one base deleted (A; older notation c.1287+4delA).
Molecular consequence: intron variant.
Genome position (GRCh38, 1-based): chr12:110,333,287, A deleted; the last of 2 consecutive A bases (chr12:110,333,286-110,333,287); deleting either gives the same sequence. VCF-style (leftmost placement, unchanged base first): chr12-110333285-TA-T. GRCh37 (hg19) VCF-style: chr12-110771090-TA-T.
Other names: c.1287+4del (NM_001413014.1, NM_001681.4); c.1182+4del (NM_001413013.1); c.912+4del (NM_001413015.1).
Identifiers: ClinVar variation 3359245 (VCV003359245.2).